The following is an entry in ClinVar:

NM_001040436.3(YARS2):c.670C>T (p.Leu224Phe)

Gene: YARS2 (tyrosyl-tRNA synthetase 2; minus strand). Cytogenetic location: 12p11.21.
Variant type: single nucleotide variant.
Coding change: c.670C>T on transcript NM_001040436.3 (MANE Select); coding-DNA position 670, C replaced by T.
Protein change: p.Leu224Phe; replaces leucine 224 with phenylalanine.
Molecular consequence: missense variant.
Genome position (GRCh38, 1-based): chr12:32,755,205, G>A on the plus strand (C>T on the coding strand, the complement: YARS2 is on the minus strand). VCF-style: chr12-32755205-G-A. GRCh37 (hg19) VCF-style: chr12-32908139-G-A.
Other names: short protein forms L224F.
Identifiers: ClinVar variation 3390780 (VCV003390780.1).

ClinVar aggregate classification (germline): Uncertain significance (1 of 4 stars; one submission).

Submission:

GeneDx
Classification: Uncertain significance. Last evaluated: 2024-06-11. Review status: criteria provided, single submitter. Criteria: GeneDx Variant Classification Process June 2021. Collection method: clinical testing. Allele origin: germline. Affected: yes.
Comment: Not observed at significant frequency in large population cohorts (gnomAD); In silico analysis indicates that this missense variant does not alter protein structure/function; Has not been previously published as pathogenic or benign to our knowledge